The following is an entry in ClinVar:

NM_000170.3(GLDC):c.2579G>T (p.Gly860Val)

Gene: GLDC (glycine decarboxylase; minus strand). Cytogenetic location: 9p24.1.
Variant type: single nucleotide variant.
Coding change: c.2579G>T on transcript NM_000170.3 (MANE Select); coding-DNA position 2579, G replaced by T.
Protein change: p.Gly860Val; replaces glycine 860 with valine.
Molecular consequence: missense variant.
Genome position (GRCh38, 1-based): chr9:6,540,137, C>A on the plus strand (G>T on the coding strand, the complement: GLDC is on the minus strand). VCF-style: chr9-6540137-C-A. GRCh37 (hg19) VCF-style: chr9-6540137-C-A.
Other names: short protein forms G860V.
Identifiers: ClinVar variation 1479956 (VCV001479956.9), dbSNP rs2129663355, ClinGen allele CA372883770.

ClinVar aggregate classification (germline): Uncertain significance. Review status: criteria provided, single submitter (1 of 4 stars). 2 submissions from 2 submitters: Uncertain significance (1). 1 of the submissions does not count toward it. Last evaluated 2021-03-03.

Conditions:
Glycine encephalopathy. Also called: Non-ketotic hyperglycinemia; Nonketotic hyperglycinemia. Identifiers: Orphanet 407, MedGen C0751748, MONDO:0011612, HP:0008288.

Submissions (2):

Labcorp Genetics (formerly Invitae), Labcorp
Classification: Uncertain significance for Glycine encephalopathy. Last evaluated: 2021-03-03. Review status: criteria provided, single submitter. Criteria: Invitae Variant Classification Sherloc (09022015). Collection method: clinical testing. Allele origin: germline.
Comment: This sequence change replaces glycine with valine at codon 860 of the GLDC protein (p.Gly860Val). The glycine residue is weakly conserved and there is a moderate physicochemical difference between glycine and valine. This variant is not present in population databases (ExAC no frequency). This variant has not been reported in the literature in individuals with GLDC-related conditions. Advanced modeling of protein sequence and biophysical properties (such as structural, functional, and spatial information, amino acid conservation, physicochemical variation, residue mobility, and thermodynamic stability) performed at Invitae indicates that this missense variant is not expected to disrupt GLDC protein function. This variant disrupts the p.Gly860 amino acid residue in GLDC. Other variant(s) that disrupt this residue have been determined to be pathogenic (PMID: 27362913). This suggests that this residue is clinically significant, and that variants that disrupt this residue are likely to be disease-causing. In summary, the available evidence is currently insufficient to determine the role of this variant in disease. Therefore, it has been classified as a Variant of Uncertain Significance.

Payam Genetics Center, General Welfare Department of North Khorasan Province
Classification: Pathogenic for Glycine encephalopathy. Last evaluated: 2017-11-01. Review status: no assertion criteria provided. Collection method: clinical testing. Allele origin: germline. Affected: yes. Observed: 3 variant alleles. Not counted in ClinVar's aggregate classification.

Literature cited by the submitters: PubMed 27362913 (cited by Labcorp Genetics (formerly Invitae), Labcorp).